The following is an entry in ClinVar:

ClinVar aggregate classification (germline): Uncertain significance (1 of 4 stars; one submission).

gnomAD v4.1: 7 of 1,614,176 alleles (0.00043%); highest among the groups gnomAD compares: Non-Finnish European, 0.00059%; no homozygotes.

Submission:

Labcorp Genetics (formerly Invitae), Labcorp
Classification: Uncertain significance. Last evaluated: 2024-04-25. Review status: criteria provided, single submitter. Criteria: Invitae Variant Classification Sherloc (09022015). Collection method: clinical testing. Allele origin: germline.
Comment: This sequence change replaces glutamic acid, which is acidic and polar, with lysine, which is basic and polar, at codon 403 of the LIPG protein (p.Glu403Lys). This variant is not present in population databases (gnomAD no frequency). This variant has not been reported in the literature in individuals affected with LIPG-related conditions. An algorithm developed to predict the effect of missense changes on protein structure and function (PolyPhen-2) suggests that this variant is likely to be disruptive. In summary, the available evidence is currently insufficient to determine the role of this variant in disease. Therefore, it has been classified as a Variant of Uncertain Significance.

NM_006033.4(LIPG):c.1207G>A (p.Glu403Lys)

Gene: LIPG (lipase G, endothelial type; plus strand). Cytogenetic location: 18q21.1.
Variant type: single nucleotide variant.
Coding change: c.1207G>A on transcript NM_006033.4 (MANE Select); coding-DNA position 1207, G replaced by A.
Protein change: p.Glu403Lys; replaces glutamic acid 403 with lysine.
Molecular consequence: missense variant.
Genome position (GRCh38, 1-based): chr18:49,583,605, G>A. VCF-style: chr18-49583605-G-A. GRCh37 (hg19) VCF-style: chr18-47109975-G-A.
Other names: c.985G>A, p.Glu329Lys (NM_001308006.2); short protein forms E329K, E403K.
Identifiers: ClinVar variation 3675598 (VCV003675598.2).